The following is an entry in ClinVar:

NM_001145809.2(MYH14):c.4171G>A (p.Ala1391Thr)

Gene: MYH14 (myosin heavy chain 14; plus strand). Cytogenetic location: 19q13.33.
Variant type: single nucleotide variant.
Coding change: c.4171G>A on transcript NM_001145809.2 (MANE Select); coding-DNA position 4171, G replaced by A.
Protein change: p.Ala1391Thr; replaces alanine 1391 with threonine.
Molecular consequence: missense variant.
Genome position (GRCh38, 1-based): chr19:50,280,264, G>A. VCF-style: chr19-50280264-G-A. GRCh37 (hg19) VCF-style: chr19-50783521-G-A.
Other names: c.4072G>A, p.Ala1358Thr (NM_001077186.2); c.4048G>A, p.Ala1350Thr (NM_024729.4); short protein forms A1350T, A1358T, A1391T.
Identifiers: ClinVar variation 3628976 (VCV003628976.2).
Genomic context (GRCh38, chr19:50,280,264, plus strand): 5'-TGACATTGCCGTCTCCTCCATCTACAGGAGCTGCTGCAGGAGGAGACCAGGGCGAAATTG[G>A]CCTTGGGGTCCCGGGTGCGAGCCATGGAGGCTGAGGCAGCCGGGCTGCGTGAGCAGCTGG-3'
Protein context (NP_001139281.1, residues 1381-1401): LLQEETRAKL[Ala1391Thr]LGSRVRAMEA

ClinVar aggregate classification (germline): Uncertain significance (1 of 4 stars; one submission).

gnomAD v4.1: 4 of 1,551,698 alleles (0.00026%); highest among the groups gnomAD compares: South Asian, 0.0048%; no homozygotes.

Submission:

Labcorp Genetics (formerly Invitae), Labcorp
Classification: Uncertain significance. Last evaluated: 2025-12-09. Review status: criteria provided, single submitter. Criteria: Invitae Variant Classification Sherloc (09022015). Collection method: clinical testing. Allele origin: germline.
Comment: This sequence change replaces alanine, which is neutral and non-polar, with threonine, which is neutral and polar, at codon 1350 of the MYH14 protein (p.Ala1350Thr). This variant is not present in population databases (gnomAD no frequency). This variant has not been reported in the literature in individuals affected with MYH14-related conditions. ClinVar contains an entry for this variant (Variation ID: 3628976). Invitae Evidence Modeling of protein sequence and biophysical properties (such as structural, functional, and spatial information, amino acid conservation, physicochemical variation, residue mobility, and thermodynamic stability) indicates that this missense variant is not expected to disrupt MYH14 protein function with a negative predictive value of 80%. In summary, the available evidence is currently insufficient to determine the role of this variant in disease. Therefore, it has been classified as a Variant of Uncertain Significance.